The following is an entry in ClinVar:

ClinVar aggregate classification (germline): Uncertain significance (1 of 4 stars; one submission).

gnomAD v4.1: 1 of 1,614,134 alleles (0.000062%); no homozygotes.

Submission:

GeneDx
Classification: Uncertain significance. Last evaluated: 2026-03-04. Review status: criteria provided, single submitter. Criteria: GeneDx Variant Classification Process June 2021. Collection method: clinical testing. Allele origin: germline.
Comment: Not observed at significant frequency in large population cohorts (gnomAD); In silico analysis suggests that this missense variant does not alter protein structure/function; Has not been previously published as pathogenic or benign to our knowledge

NM_022437.3(ABCG8):c.410A>G (p.Gln137Arg)

Gene: ABCG8 (ATP binding cassette subfamily G member 8; plus strand). Cytogenetic location: 2p21.
Variant type: single nucleotide variant.
Coding change: c.410A>G on transcript NM_022437.3 (MANE Select); coding-DNA position 410, A replaced by G.
Protein change: p.Gln137Arg; replaces glutamine 137 with arginine.
Molecular consequence: missense variant.
Genome position (GRCh38, 1-based): chr2:43,851,671, A>G. VCF-style: chr2-43851671-A-G. GRCh37 (hg19) VCF-style: chr2-44078810-A-G.
Other names: c.410A>G, p.Gln137Arg (NM_001357321.2); short protein forms Q137R.
Identifiers: ClinVar variation 5009800 (VCV005009800.1).